The following is an entry in ClinVar:

NM_001943.5(DSG2):c.2119G>A (p.Gly707Arg)

Genes: DSG2 (desmoglein 2; plus strand), DSG2-AS1 (DSG2 antisense RNA 1; minus strand). Cytogenetic location: 18q12.1.
Variant type: single nucleotide variant.
Coding change: c.2119G>A on transcript NM_001943.5 (MANE Select); coding-DNA position 2119, G replaced by A.
Protein change: p.Gly707Arg; replaces glycine 707 with arginine.
Molecular consequence: missense variant.
Genome position (GRCh38, 1-based): chr18:31,542,637, G>A. VCF-style: chr18-31542637-G-A. GRCh37 (hg19) VCF-style: chr18-29122600-G-A.
Other names: short protein forms G707R.
Identifiers: ClinVar variation 3074660 (VCV003074660.2), dbSNP rs2510920678, ClinGen allele CA402141849.

ClinVar aggregate classification (germline): Uncertain significance. Review status: criteria provided, multiple submitters, no conflicts (2 of 4 stars). 2 submissions from 2 submitters: Uncertain significance (2). Last evaluated 2023-11-20.

Conditions:
Arrhythmogenic right ventricular cardiomyopathy (ARVD). Also called: Arrhythmogenic cardiomyopathy; Arrhythmogenic Right Ventricular Cardiomyopathy (ARVC); Cardiomyopathy, ARVC; Arrhythmogenic right ventricular dysplasia. Identifiers: Orphanet 247, MedGen C0349788, MeSH D019571, MONDO:0016587. Disease mechanism: loss of function. Inheritance: Various modes of inheritance.

Submissions (2):

All of Us Research Program, National Institutes of Health
Classification: Uncertain significance for Arrhythmogenic right ventricular cardiomyopathy. Last evaluated: 2023-11-20. Review status: criteria provided, single submitter. Criteria: ACMG Guidelines, 2015. Collection method: clinical testing. Allele origin: germline. Inheritance: Autosomal dominant inheritance. Observed: 1 variant allele, 1 heterozygote.
Comment: This missense variant replaces glycine with arginine at codon 707 of the DSG2 protein. Computational prediction suggests that this variant may not impact protein structure and function (internally defined REVEL score threshold <= 0.5, PMID: 27666373). To our knowledge, functional studies have not been reported for this variant. This variant has not been reported in individuals affected with DSG2-related disorders in the literature. This variant has not been identified in the general population by the Genome Aggregation Database (gnomAD). The available evidence is insufficient to determine the role of this variant in disease conclusively. Therefore, this variant is classified as a Variant of Uncertain Significance.

This study involves interpretation of variants in research participants for the purpose of population health screening. Participant phenotype was not available at the time of variant classification. Additional details can be found in publication PMID: 35346344, PMCID: PMC8962531

Blueprint Genetics
Classification: Uncertain significance. Last evaluated: 2023-03-30. Review status: criteria provided, single submitter. Criteria: ACMG Guidelines, 2015. Collection method: clinical testing. Allele origin: germline.